The following is an entry in ClinVar:

NM_001377.3(DYNC2H1):c.2780T>C (p.Phe927Ser)

Gene: DYNC2H1 (dynein cytoplasmic 2 heavy chain 1; plus strand). Cytogenetic location: 11q22.3.
Variant type: single nucleotide variant.
Coding change: c.2780T>C on transcript NM_001377.3 (MANE Select); coding-DNA position 2780, T replaced by C.
Protein change: p.Phe927Ser; replaces phenylalanine 927 with serine.
Molecular consequence: missense variant.
Genome position (GRCh38, 1-based): chr11:103,147,849, T>C. VCF-style: chr11-103147849-T-C. GRCh37 (hg19) VCF-style: chr11-103018578-T-C.
Other names: c.2780T>C, p.Phe927Ser (NM_001080463.2); short protein forms F927S.
Identifiers: ClinVar variation 2161535 (VCV002161535.1), dbSNP rs758275594, ClinGen allele CA6253160.

ClinVar aggregate classification (germline): Uncertain significance (1 of 4 stars; one submission).

Conditions:
Jeune thoracic dystrophy. Also called: Jeune syndrome; Infantile thoracic dystrophy; Thoracic pelvic phalangeal dystrophy; Jeune's syndrome; Chondroectodermal dysplasia-like syndrome; Short-rib thoracic dysplasia. Identifiers: Orphanet 474, MedGen C0265275, MONDO:0018770.

Allele frequency attached by ClinVar (database versions not stated): gnomAD 0.00001; ExAC 0.00002; gnomAD exomes 0.00003.
gnomAD v4.1: 41 of 1,611,626 alleles (0.0025%); highest among the groups gnomAD compares: Non-Finnish European, 0.0033%; no homozygotes.

Submission:

Labcorp Genetics (formerly Invitae), Labcorp
Classification: Uncertain significance for Jeune thoracic dystrophy. Last evaluated: 2022-06-07. Review status: criteria provided, single submitter. Criteria: Invitae Variant Classification Sherloc (09022015). Collection method: clinical testing. Allele origin: germline.
Comment: This sequence change replaces phenylalanine, which is neutral and non-polar, with serine, which is neutral and polar, at codon 927 of the DYNC2H1 protein (p.Phe927Ser). This variant is present in population databases (rs758275594, gnomAD 0.004%). This variant has not been reported in the literature in individuals affected with DYNC2H1-related conditions. Advanced modeling of protein sequence and biophysical properties (such as structural, functional, and spatial information, amino acid conservation, physicochemical variation, residue mobility, and thermodynamic stability) performed at Invitae indicates that this missense variant is not expected to disrupt DYNC2H1 protein function. In summary, the available evidence is currently insufficient to determine the role of this variant in disease. Therefore, it has been classified as a Variant of Uncertain Significance.